The following is an entry in ClinVar:

ClinVar aggregate classification (germline): Uncertain significance (1 of 4 stars; one submission).

Conditions:
Inborn genetic diseases. Identifiers: MedGen C0950123, MeSH D030342.

Submission:

Ambry Genetics
Classification: Uncertain significance for Inborn genetic diseases. Last evaluated: 2024-07-02. Review status: criteria provided, single submitter. Criteria: Ambry Variant Classification Scheme 2023. Collection method: clinical testing. Allele origin: germline.
Comment: The p.V846L variant (also known as c.2536G>T), located in coding exon 16 of the EPAS1 gene, results from a G to T substitution at nucleotide position 2536. The valine at codon 846 is replaced by leucine, an amino acid with highly similar properties. This amino acid position is conserved. In addition, this alteration is predicted to be deleterious by in silico analysis. Based on the available evidence, the clinical significance of this variant remains unclear.

NM_001430.5(EPAS1):c.2536G>T (p.Val846Leu)

Gene: EPAS1 (endothelial PAS domain protein 1; plus strand). Cytogenetic location: 2p21.
Variant type: single nucleotide variant.
Coding change: c.2536G>T on transcript NM_001430.5 (MANE Select); coding-DNA position 2536, G replaced by T.
Protein change: p.Val846Leu; replaces valine 846 with leucine.
Molecular consequence: missense variant.
Genome position (GRCh38, 1-based): chr2:46,384,583, G>T. VCF-style: chr2-46384583-G-T. GRCh37 (hg19) VCF-style: chr2-46611722-G-T.
Other names: short protein forms V846L.
Identifiers: ClinVar variation 3508933 (VCV003508933.1).